The following is an entry in ClinVar:

NM_025144.4(ALPK1):c.1368del (p.Asp457fs)

Gene: ALPK1 (alpha kinase 1; plus strand). Cytogenetic location: 4q25.
Variant type: Deletion.
Coding change: c.1368del on transcript NM_025144.4 (MANE Select); coding-DNA position 1368, one base deleted (T; older notation c.1368delT).
Protein change: p.Asp457fs; shifts the reading frame from aspartic acid 457.
Molecular consequence: frameshift variant.
Genome position (GRCh38, 1-based): chr4:112,430,915, T deleted; the last of 2 consecutive T bases (chr4:112,430,914-112,430,915); deleting either gives the same sequence. VCF-style (leftmost placement, unchanged base first): chr4-112430913-CT-C. GRCh37 (hg19) VCF-style: chr4-113352069-CT-C.
Other names: c.1368del, p.Asp457fs (NM_001102406.2); c.1134del, p.Asp379fs (NM_001253884.2); short protein forms D379fs, D457fs.
Identifiers: ClinVar variation 3626003 (VCV003626003.2).

ClinVar aggregate classification (germline): Uncertain significance (1 of 4 stars; one submission).

Submission:

Labcorp Genetics (formerly Invitae), Labcorp
Classification: Uncertain significance. Last evaluated: 2024-12-23. Review status: criteria provided, single submitter. Criteria: Invitae Variant Classification Sherloc (09022015). Collection method: clinical testing. Allele origin: germline.
Comment: This sequence change creates a premature translational stop signal (p.Asp457Thrfs*37) in the ALPK1 gene. It is expected to result in an absent or disrupted protein product. However, the current clinical and genetic evidence is not sufficient to establish whether loss-of-function variants in ALPK1 cause disease. This variant is present in population databases (rs748547687, gnomAD 0.0009%). This variant has not been reported in the literature in individuals affected with ALPK1-related conditions. In summary, the available evidence is currently insufficient to determine the role of this variant in disease. Therefore, it has been classified as a Variant of Uncertain Significance.